The following is an entry in ClinVar:

NM_006206.6(PDGFRA):c.2812G>C (p.Glu938Gln)

Gene: PDGFRA (platelet derived growth factor receptor alpha; plus strand). Cytogenetic location: 4q12.
Variant type: single nucleotide variant.
Coding change: c.2812G>C on transcript NM_006206.6 (MANE Select); coding-DNA position 2812, G replaced by C.
Protein change: p.Glu938Gln; replaces glutamic acid 938 with glutamine.
Molecular consequence: missense variant.
Genome position (GRCh38, 1-based): chr4:54,289,046, G>C. VCF-style: chr4-54289046-G-C. GRCh37 (hg19) VCF-style: chr4-55155213-G-C.
Other names: c.2887G>C, p.Glu963Gln (NM_001347828.2); c.2812G>C, p.Glu938Gln (NM_001347829.2); c.2851G>C, p.Glu951Gln (NM_001347830.2); short protein forms E938Q, E951Q, E963Q.
Identifiers: ClinVar variation 2568077 (VCV002568077.2), dbSNP rs1328843460, ClinGen allele CA356895731.

ClinVar aggregate classification (germline): Uncertain significance (1 of 4 stars; one submission).

Conditions:
Hereditary cancer-predisposing syndrome. Also called: Hereditary neoplastic syndrome; Hereditary Cancer Syndrome; Neoplastic Syndromes, Hereditary; Tumor predisposition. Identifiers: Orphanet 140162, MedGen C0027672, MeSH D009386, MONDO:0015356.

Allele frequency attached by ClinVar (database versions not stated): gnomAD exomes below 0.00001.
gnomAD v4.1: 1 of 1,612,138 alleles (0.000062%); highest among the groups gnomAD compares: South Asian, 0.0011%; no homozygotes.

Submission:

Ambry Genetics
Classification: Uncertain significance for Hereditary cancer-predisposing syndrome. Last evaluated: 2023-04-03. Review status: criteria provided, single submitter. Criteria: Ambry Variant Classification Scheme 2023. Collection method: clinical testing. Allele origin: germline.
Comment: The p.E938Q variant (also known as c.2812G>C), located in coding exon 20 of the PDGFRA gene, results from a G to C substitution at nucleotide position 2812. The glutamic acid at codon 938 is replaced by glutamine, an amino acid with highly similar properties. This amino acid position is conserved. In addition, the in silico prediction for this alteration is inconclusive. Since supporting evidence is limited at this time, the clinical significance of this alteration remains unclear.